The following is an entry in ClinVar:

NM_201384.3(PLEC):c.4521C>T (p.Ser1507=)

Gene: PLEC (plectin; minus strand). Cytogenetic location: 8q24.3.
Variant type: single nucleotide variant.
Coding change: c.4521C>T on transcript NM_201384.3 (MANE Select); coding-DNA position 4521, C replaced by T.
Protein change: p.Ser1507=; no amino-acid change (serine 1507 retained).
Molecular consequence: synonymous variant.
Genome position (GRCh38, 1-based): chr8:143,925,408, G>A on the plus strand (C>T on the coding strand, the complement: PLEC is on the minus strand). VCF-style: chr8-143925408-G-A. GRCh37 (hg19) VCF-style: chr8-144999576-G-A.
Other names: c.4602C>T, p.Ser1534= (NM_000445.5); c.4479C>T, p.Ser1493= (NM_201378.4); c.4455C>T, p.Ser1485= (NM_201379.3); c.4932C>T, p.Ser1644= (NM_201380.4); c.4425C>T, p.Ser1475= (NM_201381.3); c.4521C>T, p.Ser1507= (NM_201382.4); c.4533C>T, p.Ser1511= (NM_201383.3).
Identifiers: ClinVar variation 284582 (VCV000284582.17), dbSNP rs372986812, ClinGen allele CA4926634.

ClinVar aggregate classification (germline): Likely benign. Review status: criteria provided, multiple submitters, no conflicts (2 of 4 stars). 4 submissions from 4 submitters: Likely benign (3). 1 of the submissions does not count toward it. Last evaluated 2026-01-27.

Conditions:
PLEC-related disorder. Also called: PLEC-related condition; PLEC-related disorders.
Autosomal recessive limb-girdle muscular dystrophy type 2Q (LGMDR17). Also called: MUSCULAR DYSTROPHY, LIMB-GIRDLE, AUTOSOMAL RECESSIVE 17. Identifiers: Orphanet 254361, MedGen C3150989, MONDO:0013390, OMIM 613723.
Epidermolysis bullosa simplex 5B, with muscular dystrophy (EBS5B). Also called: EPIDERMOLYSIS BULLOSA SIMPLEX AND LIMB-GIRDLE MUSCULAR DYSTROPHY; Epidermolysis bullosa simplex with muscular dystrophy. Identifiers: Orphanet 257, MedGen C2931072, MONDO:0009181, OMIM 226670.
Epidermolysis bullosa simplex with nail dystrophy (EBS5D). Identifiers: MedGen C4225309, MONDO:0014661, OMIM 616487.
Epidermolysis bullosa simplex 5C, with pyloric atresia (EBS5C). Also called: PLEC-Related Epidermolysis Bullosa with Pyloric Atresia; PLEC1-Related Epidermolysis Bullosa with Pyloric Atresia; Epidermolysis bullosa simplex with pyloric atresia. Identifiers: Orphanet 158684, MedGen C2677349, MONDO:0012807, OMIM 612138.
Epidermolysis bullosa simplex, Ogna type (EBS5A). Also called: Pidermolysis bullosa simplex 5A, Ogna type; EPIDERMOLYSIS BULLOSA SIMPLEX 5A, OGNA TYPE. Identifiers: Orphanet 79401, MedGen C0432317, MONDO:0007555, OMIM 131950.

Allele frequency attached by ClinVar (database versions not stated): ESP Exome Variant Server 0.00035; gnomAD exomes 0.00003 and 0.00010; ExAC 0.00020; gnomAD 0.00026 and 0.00030; TOPMed 0.00032.
gnomAD v4.1: 89 of 1,590,882 alleles (0.0056%); highest among the groups gnomAD compares: African/African-American, 0.094%; no homozygotes.

Submissions (4):

Labcorp Genetics (formerly Invitae), Labcorp
Classification: Likely benign for Autosomal recessive limb-girdle muscular dystrophy type 2Q; Epidermolysis bullosa simplex, Ogna type; Epidermolysis bullosa simplex with nail dystrophy; Epidermolysis bullosa simplex 5C, with pyloric atresia; Epidermolysis bullosa simplex 5B, with muscular dystrophy. Last evaluated: 2026-01-27. Review status: criteria provided, single submitter. Criteria: Invitae Variant Classification Sherloc (09022015). Collection method: clinical testing. Allele origin: germline.

Blueprint Genetics
Classification: Likely benign. Last evaluated: 2024-08-28. Review status: criteria provided, single submitter. Criteria: ACMG Guidelines, 2015. Collection method: clinical testing. Allele origin: germline.

Eurofins Ntd Llc (ga)
Classification: Likely benign. Last evaluated: 2015-12-22. Review status: criteria provided, single submitter. Criteria: EGL Classification Definitions 2015. Collection method: clinical testing. Allele origin: germline. Observed: 2 variant alleles, 2 heterozygotes.

PreventionGenetics, part of Exact Sciences
Classification: Likely benign for PLEC-related condition. Last evaluated: 2023-12-15. Review status: no assertion criteria provided. Collection method: clinical testing. Allele origin: germline. Not counted in ClinVar's aggregate classification.
Comment: This variant is classified as likely benign based on ACMG/AMP sequence variant interpretation guidelines (Richards et al. 2015 PMID: 25741868, with internal and published modifications).